The following is an entry in ClinVar:

ClinVar aggregate classification (germline): Likely benign (0 of 4 stars; one submission).

Conditions:
OGDHL-related disorder. Also called: OGDHL-related condition.

Allele frequency attached by ClinVar (database versions not stated): gnomAD exomes 0.00075; ExAC 0.00231; 1000 Genomes Project 0.00619; 1000 Genomes Project 30x 0.00671; gnomAD 0.00692; TOPMed 0.00828; ESP Exome Variant Server 0.00830.
gnomAD v4.1: 2,260 of 1,613,684 alleles (0.14%); highest among the groups gnomAD compares: African/African-American, 2.3%; 30 homozygotes.

Submission:

PreventionGenetics, part of Exact Sciences
Classification: Likely benign for OGDHL-related condition. Last evaluated: 2021-11-12. Review status: no assertion criteria provided. Collection method: clinical testing. Allele origin: germline.
Comment: This variant is classified as likely benign based on ACMG/AMP sequence variant interpretation guidelines (Richards et al. 2015 PMID: 25741868, with internal and published modifications).

NM_018245.3(OGDHL):c.492T>G (p.Leu164=)

Gene: OGDHL (oxoglutarate dehydrogenase L; minus strand). Cytogenetic location: 10q11.23.
Variant type: single nucleotide variant.
Coding change: c.492T>G on transcript NM_018245.3 (MANE Select); coding-DNA position 492, T replaced by G.
Protein change: p.Leu164=; no amino-acid change (leucine 164 retained).
Molecular consequence: synonymous variant. On other transcripts: 5 prime UTR variant (5), non-coding transcript variant (5).
Genome position (GRCh38, 1-based): chr10:49,752,235, A>C on the plus strand (T>G on the coding strand, the complement: OGDHL is on the minus strand). VCF-style: chr10-49752235-A-C. GRCh37 (hg19) VCF-style: chr10-50960281-A-C.
Other names: c.321T>G, p.Leu107= (NM_001143996.2, NM_001347820.1); c.-136T>G (NM_001143997.2, NM_001347821.2, NM_001347822.1 and 1 more transcripts); c.492T>G, p.Leu164= (NM_001347819.1, NM_001347823.1, NM_001347824.2); c.-435T>G (NM_001347826.1).
Identifiers: ClinVar variation 3033620 (VCV003033620.2), dbSNP rs76889077, ClinGen allele CA5498913.